The following is an entry in ClinVar:

ClinVar aggregate classification (germline): Benign/Likely benign. Review status: criteria provided, multiple submitters, no conflicts (2 of 4 stars). 2 submissions from 2 submitters: Benign (1); Likely benign (1). Last evaluated 2024-05-22.

Conditions:
Familial adenomatous polyposis 1 (FAP1). Also called: FAMILIAL ADENOMATOUS POLYPOSIS 1, ATTENUATED; POLYPOSIS, ADENOMATOUS INTESTINAL. Identifiers: MedGen C2713442, MONDO:0021056, OMIM 175100. Disease mechanism: loss of function.

Submissions (2):

Labcorp Genetics (formerly Invitae), Labcorp
Classification: Likely benign for Familial adenomatous polyposis 1. Last evaluated: 2024-05-22. Review status: criteria provided, single submitter. Criteria: Invitae Variant Classification Sherloc (09022015). Collection method: clinical testing. Allele origin: germline.

Myriad Genetics, Inc.
Classification: Benign for Familial adenomatous polyposis 1. Last evaluated: 2024-04-09. Review status: criteria provided, single submitter. Criteria: Myriad Autosomal Dominant, Autosomal Recessive and X-Linked Classification Criteria (2023). Collection method: clinical testing. Allele origin: unknown.
Comment: This variant is considered benign. This variant is a silent/synonymous amino acid change and it is not expected to impact splicing.

NM_000038.6(APC):c.7500G>A (p.Gln2500=)

Gene: APC (APC regulator of Wnt signaling pathway; plus strand). Cytogenetic location: 5q22.2.
Variant type: single nucleotide variant.
Coding change: c.7500G>A on transcript NM_000038.6 (MANE Select); coding-DNA position 7500, G replaced by A.
Protein change: p.Gln2500=; no amino-acid change (glutamine 2500 retained).
Molecular consequence: synonymous variant.
Genome position (GRCh38, 1-based): chr5:112,843,094, G>A. VCF-style: chr5-112843094-G-A. GRCh37 (hg19) VCF-style: chr5-112178791-G-A.
Other names: c.7500G>A, p.Gln2500= (NM_001127510.3, NM_001354895.2); c.7446G>A, p.Gln2482= (NM_001127511.3); c.7554G>A, p.Gln2518= (NM_001354896.2); c.7530G>A, p.Gln2510= (NM_001354897.2); c.7425G>A, p.Gln2475= (NM_001354898.2); c.7416G>A, p.Gln2472= (NM_001354899.2); c.7377G>A, p.Gln2459= (NM_001354900.2); c.7323G>A, p.Gln2441= (NM_001354901.2); and 5 more.
Identifiers: ClinVar variation 1004215 (VCV001004215.11), dbSNP rs1766496160, ClinGen allele CA446210856.